The following is an entry in ClinVar:

NM_145893.3(RBFOX1):c.79C>G (p.Leu27Val)

Gene: RBFOX1 (RNA binding fox-1 homolog 1; plus strand). Cytogenetic location: 16p13.3.
Variant type: single nucleotide variant.
Coding change: c.79C>G on transcript NM_145893.3 (MANE Plus Clinical); coding-DNA position 79, C replaced by G.
Protein change: p.Leu27Val; replaces leucine 27 with valine.
Molecular consequence: missense variant. On other transcripts: intron variant (5).
Genome position (GRCh38, 1-based): chr16:7,333,080, C>G. VCF-style: chr16-7333080-C-G. GRCh37 (hg19) VCF-style: chr16-7383081-C-G.
Other names: c.79C>G, p.Leu27Val (NM_145891.3, NM_145892.3); c.28-185067C>G (NM_001364800.2, NM_018723.4, NM_001142333.2 and 1 more transcripts); c.157-185067C>G (NM_001308117.1); short protein forms L27V.
Identifiers: ClinVar variation 420861 (VCV000420861.2), dbSNP rs1064794750, ClinGen allele CA16620269.
Genomic context (GRCh38, chr16:7,333,080, plus strand): 5'-GTTCTCCTGCATCCTTATGGCGTGCCTATGATTGTACCGGCAGCTCCTTACCTTCCTGGA[C>G]TGATTCAGGTAATTCAAGGCCTCTGCCAGCCAGCAACTTAACTCCAGAGTGCTCAGAGTA-3'
Protein context (NP_665900.1, residues 17-37): IVPAAPYLPG[Leu27Val]IQGNQEAAAA

ClinVar aggregate classification (germline): Likely pathogenic (1 of 4 stars; one submission).

Submission:

GeneDx
Classification: Likely pathogenic. Last evaluated: 2016-03-31. Review status: criteria provided, single submitter. Criteria: GeneDx Variant Classification (06012015). Collection method: clinical testing. Allele origin: germline. Affected: yes.
Comment: The L27V variant in the RBFOX1 gene has not been reported previously as a pathogenic variant, nor as a benign variant, to our knowledge. The L27V variant was not observed in approximately 6500 individuals of European and African American ancestry in the NHLBI Exome Sequencing Project, indicating it is not a common benign variant in these populations. The L27V variant is a conservative amino acid substitution, which is not likely to impact secondary protein structure as these residues share similar properties. This substitution occurs at a position that is conserved across species. In silico analysis is inconsistent in its predictions as to whether or not the variant is damaging to the protein structure/function. The L27V variant is a strong candidate for a pathogenic variant; however, the possibility it may be a rare benign variant cannot be excluded.